The following is an entry in ClinVar:

ClinVar aggregate classification (germline): Uncertain significance (1 of 4 stars; one submission).

gnomAD v4.1: 1 of 1,614,168 alleles (0.000062%); highest among the groups gnomAD compares: Non-Finnish European, 0.000085%; no homozygotes.

Submission:

Labcorp Genetics (formerly Invitae), Labcorp
Classification: Uncertain significance. Last evaluated: 2025-11-28. Review status: criteria provided, single submitter. Criteria: Invitae Variant Classification Sherloc (09022015). Collection method: clinical testing. Allele origin: germline.
Comment: This sequence change replaces alanine, which is neutral and non-polar, with glutamic acid, which is acidic and polar, at codon 125 of the VCAN protein (p.Ala125Glu). This variant is not present in population databases (gnomAD no frequency). This variant has not been reported in the literature in individuals affected with VCAN-related conditions. An algorithm developed to predict the effect of missense changes on protein structure and function (PolyPhen-2) suggests that this variant is likely to be disruptive. In summary, the available evidence is currently insufficient to determine the role of this variant in disease. Therefore, it has been classified as a Variant of Uncertain Significance.

NM_004385.5(VCAN):c.374C>A (p.Ala125Glu)

Gene: VCAN (versican; plus strand). Cytogenetic location: 5q14.2.
Variant type: single nucleotide variant.
Coding change: c.374C>A on transcript NM_004385.5 (MANE Select); coding-DNA position 374, C replaced by A.
Protein change: p.Ala125Glu; replaces alanine 125 with glutamic acid.
Molecular consequence: missense variant.
Genome position (GRCh38, 1-based): chr5:83,490,401, C>A. VCF-style: chr5-83490401-C-A. GRCh37 (hg19) VCF-style: chr5-82786220-C-A.
Other names: c.374C>A, p.Ala125Glu (NM_001126336.3, NM_001164097.2, NM_001164098.2); short protein forms A125E.
Identifiers: ClinVar variation 4732212 (VCV004732212.1).